The following is an entry in ClinVar:

ClinVar aggregate classification (germline): Benign. Review status: criteria provided, multiple submitters, no conflicts (2 of 4 stars). 4 submissions from 4 submitters: Benign (4). Last evaluated 2026-02-03.

Conditions:
Cardiomyopathy (CMYO). Also called: Cardiomyopathies. Identifiers: Orphanet 167848, MedGen C0878544, MONDO:0004994, HP:0001638. Inheritance: Various modes of inheritance.
Primary dilated cardiomyopathy (DCM). Also called: Dilated Cardiomyopathy. Identifiers: Orphanet 217604, MedGen C0007193, MeSH D002311, MONDO:0005021, HP:0001644. Inheritance: Various modes of inheritance.

Allele frequency attached by ClinVar (database versions not stated): gnomAD exomes 0.00352; ExAC 0.00539; gnomAD 0.01368 and 0.01458; ESP Exome Variant Server 0.01545; TOPMed 0.01578; 1000 Genomes Project 0.01777; 1000 Genomes Project 30x 0.01796.
gnomAD v4.1: 4,062 of 1,611,134 alleles (0.25%); highest among the groups gnomAD compares: African/African-American, 4.7%; 87 homozygotes.

Submissions (4):

Labcorp Genetics (formerly Invitae), Labcorp
Classification: Benign for Primary dilated cardiomyopathy. Last evaluated: 2026-02-03. Review status: criteria provided, single submitter. Criteria: Invitae Variant Classification Sherloc (09022015). Collection method: clinical testing. Allele origin: germline.

CHEO Genetics Diagnostic Laboratory, Children's Hospital of Eastern Ontario
Classification: Benign for Cardiomyopathy. Last evaluated: 2016-04-05. Review status: criteria provided, single submitter. Criteria: ACMG Guidelines, 2015. Collection method: clinical testing. Allele origin: germline. Study: Canadian Open Genetics Repository.

Laboratory for Molecular Medicine, Mass General Brigham Personalized Medicine
Classification: Benign. Last evaluated: 2012-01-24. Review status: criteria provided, single submitter. Criteria: LMM Criteria. Collection method: clinical testing. Allele origin: germline. Observed: 31 variant alleles.
Comment: Arg177Gln in exon 5 of FHL2: This variant is classified as benign based on its h igh frequency in the general population (dbSNP rs113188481).

Breakthrough Genomics
Classification: Benign. Review status: criteria provided, single submitter. Criteria: ACMG Guidelines, 2015. Collection method: not provided. Allele origin: germline. Inheritance: Unknown mechanism. Affected: yes.

NM_001318895.3(FHL2):c.530G>A (p.Arg177Gln)

Genes: C2orf49 (chromosome 2 open reading frame 49; plus strand), FHL2 (four and a half LIM domains 2; minus strand). Cytogenetic location: 2q12.2.
Variant type: single nucleotide variant.
Coding change: c.530G>A on transcript NM_001318895.3 (MANE Select); coding-DNA position 530, G replaced by A.
Protein change: p.Arg177Gln; replaces arginine 177 with glutamine.
Molecular consequence: missense variant.
Genome position (GRCh38, 1-based): chr2:105,363,443, C>T on the plus strand (G>A on the coding strand, the complement: FHL2 is on the minus strand). VCF-style: chr2-105363443-C-T. GRCh37 (hg19) VCF-style: chr2-105979900-C-T.
Other names: c.530G>A, p.Arg177Gln (NM_001039492.3, NM_001318894.1, NM_001318896.2 and 4 more transcripts); c.188G>A, p.Arg63Gln (NM_001318897.2, NM_001318898.2); c.206G>A, p.Arg69Gln (NM_001318899.2); short protein forms R177Q, R63Q, R69Q.
Identifiers: ClinVar variation 48325 (VCV000048325.16), dbSNP rs113188481, ClinGen allele CA143181.
Genomic context (GRCh38, chr2:105,363,443, plus strand): 5'-CCAGACAGCTGCTTCCTGCAGGCGGTGCACACGAAGCACTCCTTGTGCCAGGGCTGCTCC[C>T]GGTAAGTGACCCCTCCCGTGGTGATGGGCTGCAGGGACGAGGGGGAGAGTTAGTGTGGCC-3'
Protein context (NP_001305824.1, residues 167-187): KPITTGGVTY[Arg177Gln]EQPWHKECFV